The following is an entry in ClinVar:

NM_001127222.2(CACNA1A):c.1334_1335dup (p.Ala446Ter)

Gene: CACNA1A (calcium voltage-gated channel subunit alpha1 A; minus strand). Cytogenetic location: 19p13.13.
Variant type: Microsatellite.
Coding change: c.1334_1335dup on transcript NM_001127222.2 (MANE Select); coding-DNA positions 1334 to 1335, 2 bases duplicated (TA; older notation c.1334_1335dupTA).
Protein change: p.Ala446Ter; replaces alanine 446 with a stop codon.
Molecular consequence: nonsense.
Genome position (GRCh38, 1-based): chr19:13,330,254-13,330,255, TA duplicated on the plus strand (TA on the coding strand, the reverse complement: CACNA1A is on the minus strand); duplicating any 2 consecutive bases within chr19:13,330,254-13,330,258 gives the same sequence; the c. name uses the placement nearest the transcript's 3' end. VCF-style (leftmost placement, unchanged base first): chr19-13330253-C-CTA. GRCh37 (hg19) VCF-style: chr19-13441067-C-CTA.
Other names: c.1337_1338dup, p.Ala447Ter (NM_000068.4, NM_001127221.2, NM_001174080.2 and 1 more transcripts); short protein forms A446*, A447*.
Identifiers: ClinVar variation 1706572 (VCV001706572.6), dbSNP rs2513031029, ClinGen allele CA2580613072.
Genomic context (GRCh38, chr19:13,330,253, plus strand): 5'-CTTGGGCGATAGGTGATGAACAACTGATAGGTGGCAGAGGAAGGGACTCACCCACAGAGG[C>CTA]TATATCAGCCAGCTGATCCTCAGCCTCTTCGGGGTTGAGCAAATCTGTCTTGCTTTTCTT-3'

ClinVar aggregate classification (germline): Pathogenic/Likely pathogenic. Review status: criteria provided, multiple submitters, no conflicts (2 of 4 stars). 2 submissions from 2 submitters: Pathogenic (1); Likely pathogenic (1). Last evaluated 2022-05-25.

Conditions:
Global developmental delay (DD). Also called: Cognitive delay. Identifiers: MedGen C0557874, HP:0001263. Disease mechanism: loss of function.
Developmental and epileptic encephalopathy, 42 (DEE42A). Also called: DEVELOPMENTAL AND EPILEPTIC ENCEPHALOPATHY 42A; EPILEPTIC ENCEPHALOPATHY, EARLY INFANTILE, 42A; Epileptic encephalopathy, early infantile, 42. Identifiers: MedGen C4310716, MONDO:0014917, OMIM 617106.
Episodic ataxia type 2 (EA2). Also called: ACETAZOLAMIDE-RESPONSIVE HEREDITARY PAROXYSMAL CEREBELLAR ATAXIA; CEREBELLAR ATAXIA, PAROXYSMAL, ACETAZOLAMIDE-RESPONSIVE; CEREBELLOPATHY, HEREDITARY PAROXYSMAL; EPISODIC ATAXIA, NYSTAGMUS-ASSOCIATED; ATAXIA, EPISODIC, WITH NYSTAGMUS; ATAXIA, FAMILIAL PAROXYSMAL. Identifiers: Orphanet 97, MedGen C1720416, MONDO:0007163, OMIM 108500.

Submissions (2):

Labcorp Genetics (formerly Invitae), Labcorp
Classification: Pathogenic for Developmental and epileptic encephalopathy, 42; Episodic ataxia type 2. Last evaluated: 2022-05-25. Review status: criteria provided, single submitter. Criteria: Invitae Variant Classification Sherloc (09022015). Collection method: clinical testing. Allele origin: germline.
Comment: This sequence change creates a premature translational stop signal (p.Ala447*) in the CACNA1A gene. It is expected to result in an absent or disrupted protein product. Loss-of-function variants in CACNA1A are known to be pathogenic (PMID: 10371528, 19486177, 25735478, 27250579). This variant is not present in population databases (gnomAD no frequency). This variant has not been reported in the literature in individuals affected with CACNA1A-related conditions. For these reasons, this variant has been classified as Pathogenic.

Genomic Medicine Lab, University of California San Francisco
Classification: Likely pathogenic for Global developmental delay. Review status: criteria provided, single submitter. Criteria: ACMG Guidelines, 2015. Collection method: clinical testing. Allele origin: maternal. Study: CSER.

Literature cited by the submitters: PubMed 10371528 (cited by Labcorp Genetics (formerly Invitae), Labcorp); PubMed 19486177 (cited by Labcorp Genetics (formerly Invitae), Labcorp); PubMed 25735478 (cited by Labcorp Genetics (formerly Invitae), Labcorp); PubMed 27250579 (cited by Labcorp Genetics (formerly Invitae), Labcorp).